The following is an entry in ClinVar:

NM_018238.4(AGK):c.424-3C>G

Gene: AGK (acylglycerol kinase; plus strand). Cytogenetic location: 7q34.
Variant type: single nucleotide variant.
Coding change: c.424-3C>G on transcript NM_018238.4 (MANE Select); 3 bases into the intron before coding-DNA position 424, C replaced by G.
Molecular consequence: intron variant.
Genome position (GRCh38, 1-based): chr7:141,615,468, C>G. VCF-style: chr7-141615468-C-G. GRCh37 (hg19) VCF-style: chr7-141315268-C-G.
Other names: 424-3C-G; c.424-3C>G (NM_001364948.3).
Identifiers: ClinVar variation 209129 (VCV000209129.13), dbSNP rs766413410, ClinGen allele CA250329.

ClinVar aggregate classification (germline): Pathogenic/Likely pathogenic. Review status: criteria provided, multiple submitters, no conflicts (2 of 4 stars). 9 submissions from 7 submitters: Pathogenic (5); Likely pathogenic (2). 2 of the submissions do not count toward it. Last evaluated 2024-03-21.

Conditions:
Sengers syndrome. Also called: Cardiomyopathy and cataract; MITOCHONDRIAL DNA DEPLETION SYNDROME 10 (CARDIOMYOPATHIC TYPE). Identifiers: Orphanet 1369, MedGen C1859317, MONDO:0008922, OMIM 212350.
Cataract 38. Also called: Cataract, autosomal recessive congenital 5; Cataract 38, autosomal recessive. Identifiers: Orphanet 91492, MedGen C3553494, MONDO:0013859, OMIM 614691.
Autosomal recessive AGK-related phenotype.
Inborn genetic diseases. Identifiers: MedGen C0950123, MeSH D030342.

gnomAD v4.1: 22 of 1,612,586 alleles (0.0014%); highest among the groups gnomAD compares: East Asian, 0.0022%; no homozygotes.

Submissions (9):

Genomic Medicine Center of Excellence, King Faisal Specialist Hospital and Research Centre
Classification: Likely pathogenic for Sengers syndrome. Last evaluated: 2024-03-21. Review status: criteria provided, single submitter. Criteria: ACMG Guidelines, 2015. Collection method: clinical testing. Allele origin: germline.

Genomic Medicine Center of Excellence, King Faisal Specialist Hospital and Research Centre
Classification: Likely pathogenic for Cataract 38. Last evaluated: 2024-03-17. Review status: criteria provided, single submitter. Criteria: ACMG Guidelines, 2015. Collection method: research. Allele origin: germline.

Victorian Clinical Genetics Services, Murdoch Childrens Research Institute
Classification: Pathogenic for Cataract 38. Last evaluated: 2021-05-06. Review status: criteria provided, single submitter. Criteria: ACMG Guidelines, 2015. Collection method: clinical testing. Allele origin: germline. Inheritance: Autosomal recessive inheritance. Affected: yes.
Comment: Based on the classification scheme VCGS_Germline_v1.3.4, this variant is classified as Pathogenic. Following criteria are met: 0102 - Loss of function is a known mechanism of disease in this gene and is associated with Cataract 38 (MIM#614691). (I) 0106 - This gene is associated with autosomal recessive disease. (I) 0210 - Splice site variant proven to affect splicing of the transcript with a known effect on protein sequence. This variant has been demonstrated to result in skipping of exon 8 which leads to a nonsense-mediated decay (NMD)-predicted variant, p.(Arg142Thrfs*4) (PMID: 22415731). (SP) 0252 - This variant is homozygous. (I) 0304 - Variant is present in gnomAD (v2) <0.01 for a recessive condition (7 heterozygotes, 0 homozygotes). (SP) 0311 - An alternative nucleotide change at the same splice site is present in gnomAD (v2) at a frequency of 0.00003 (8 heterozygotes, 0 homozygotes). (I) 0702 - Many other NMD predicted variants comparable to the one identified in this case have strong previous evidence for pathogenicity (ClinVar). (SP) 0802 - This variant has moderate previous evidence of pathogenicity in unrelated individuals. This variant has been reported in three homozygous siblings from one family with isolated congenital cataract (PMID: 22415731) and also reported in ClinVar as pathogenic. (SP) 1208 - Inheritance information for this variant is not currently available in this individual. (I) Legend: (SP) - Supporting pathogenic, (I) - Information, (SB) - Supporting benign

Ambry Genetics
Classification: Pathogenic for Inborn genetic diseases. Last evaluated: 2017-04-25. Review status: criteria provided, single submitter. Criteria: Ambry exome assertion method (8-5-2015). Collection method: clinical testing. Allele origin: germline. Affected: yes. Observed: 1 variant allele.

Baylor Genetics
Classification: Pathogenic for Cataract and cardiomyopathy. Last evaluated: 2013-07-15. Review status: criteria provided, single submitter. Criteria: Yang et al. 2013. Collection method: clinical testing. Allele origin: maternal. Inheritance: Autosomal recessive inheritance. Affected: yes. Observed: 1 variant allele, 1 compound heterozygote. Study: Adult_WES.
Comment: This variant has been previously reported in patients as a deleterious variant affecting mRNA splicing.

Juno Genomics, Hangzhou Juno Genomics, Inc
Classification: Pathogenic for Sengers syndrome. Review status: criteria provided, single submitter. Criteria: ACMG Guidelines, 2015. Collection method: clinical testing. Allele origin: germline. Affected: yes.
Comment: For recessive disorders, detected in trans with a pathogenic variant.;Co-segregation with disease in multiple affected family members in a gene definitively known to cause the disease.;Absent from controls (or at extremely low frequency if recessive) in Genome Aggregation Database, Exome Sequencing Project, 1000 Genomes Project, or Exome Aggregation Consortium.;Well-established in vitro or in vivo functional studies supportive of a damaging effect on the gene or gene product.

Juno Genomics, Hangzhou Juno Genomics, Inc
Classification: Pathogenic for Cataract 38; Sengers syndrome. Review status: criteria provided, single submitter. Criteria: ACMG Guidelines, 2015. Collection method: clinical testing. Allele origin: germline.
Comment: Absent from controls (or at extremely low frequency if recessive) in Genome Aggregation Database.;For recessive disorders, detected in trans with a pathogenic variant.;Co-segregation with disease in multiple affected family members.;Null variant in a gene where loss of function (LOF) is a known mechanism of disease.

Biochemical Molecular Genetic Laboratory, King Abdulaziz Medical City
Classification: Pathogenic for Autosomal recessive AGK-related phenotype. Last evaluated: 2019-01-29. Review status: no assertion criteria provided. Collection method: clinical testing. Allele origin: germline. Affected: yes. Not counted in ClinVar's aggregate classification.

OMIM
Classification: Pathogenic for CATARACT 38. Last evaluated: 2012-06-01. Review status: no assertion criteria provided. Collection method: literature only. Allele origin: germline. Not counted in ClinVar's aggregate classification.

Literature cited by the submitters: PubMed 22415731 (cited by 4 submitters); PubMed 26582918 (cited by Ambry Genetics); PubMed 26633545 (cited by Ambry Genetics and Baylor Genetics).